The following is an entry in ClinVar:

NM_001844.5(COL2A1):c.86-5T>A

Gene: COL2A1 (collagen type II alpha 1 chain; minus strand). Cytogenetic location: 12q13.11.
Variant type: single nucleotide variant.
Coding change: c.86-5T>A on transcript NM_001844.5 (MANE Select); 5 bases into the intron before coding-DNA position 86, T replaced by A.
Molecular consequence: intron variant.
Genome position (GRCh38, 1-based): chr12:48,000,130, A>T on the plus strand (T>A on the coding strand, the complement: COL2A1 is on the minus strand). VCF-style: chr12-48000130-A-T. GRCh37 (hg19) VCF-style: chr12-48393913-A-T.
Other names: c.86-1699T>A (NM_033150.3).
Identifiers: ClinVar variation 432409 (VCV000432409.2), dbSNP rs753142339, ClinGen allele CA6536095.

ClinVar aggregate classification (germline): Uncertain significance (1 of 4 stars; one submission).

Allele frequency attached by ClinVar (database versions not stated): gnomAD exomes below 0.00001 and 0.00001; gnomAD 0.00001; ExAC 0.00002.
gnomAD v4.1: 16 of 1,610,238 alleles (0.00099%); highest among the groups gnomAD compares: Non-Finnish European, 0.0014%; no homozygotes.

Submission:

GeneDx
Classification: Uncertain significance. Last evaluated: 2017-06-02. Review status: criteria provided, single submitter. Criteria: GeneDx Variant Classification (06012015). Collection method: clinical testing. Allele origin: germline. Affected: yes.
Comment: The c.86-5T>A variant in the COL2A1 gene has not been reported previously as a pathogenic variant nor as a benign variant, to our knowledge. In-silico splice prediction models predict that c.86-5T>A may destroy the natural splice acceptor site of intron 1, which may cause abnormal gene splicing. However, in the absence of RNA/functional studies, the actual effect of the c.86-5T>A change in this individual is unknown. The c.86-5T>A variant is observed in 2/54790 (0.003%) alleles from individuals of non-Finnish European background, in the ExAC dataset (Lek et al., 2016). We interpret c.86-5T>A as a variant of uncertain significance.